The following is an entry in ClinVar:

ClinVar aggregate classification (germline): Uncertain significance (1 of 4 stars; one submission).

Submission:

Labcorp Genetics (formerly Invitae), Labcorp
Classification: Uncertain significance. Last evaluated: 2025-11-18. Review status: criteria provided, single submitter. Criteria: Invitae Variant Classification Sherloc (09022015). Collection method: clinical testing. Allele origin: germline.
Comment: This sequence change replaces arginine, which is basic and polar, with cysteine, which is neutral and slightly polar, at codon 291 of the BNC2 protein (p.Arg291Cys). This variant is present in population databases (no rsID available, gnomAD 0.004%). This variant has not been reported in the literature in individuals affected with BNC2-related conditions. ClinVar contains an entry for this variant (Variation ID: 3620001). An algorithm developed to predict the effect of missense changes on protein structure and function (PolyPhen-2) suggests that this variant is likely to be disruptive. In summary, the available evidence is currently insufficient to determine the role of this variant in disease. Therefore, it has been classified as a Variant of Uncertain Significance.

NM_017637.6(BNC2):c.871C>T (p.Arg291Cys)

Gene: BNC2 (basonuclin zinc finger protein 2; minus strand). Cytogenetic location: 9p22.3.
Variant type: single nucleotide variant.
Coding change: c.871C>T on transcript NM_017637.6 (MANE Select); coding-DNA position 871, C replaced by T.
Protein change: p.Arg291Cys; replaces arginine 291 with cysteine.
Molecular consequence: missense variant.
Genome position (GRCh38, 1-based): chr9:16,437,323, G>A on the plus strand (C>T on the coding strand, the complement: BNC2 is on the minus strand). VCF-style: chr9-16437323-G-A. GRCh37 (hg19) VCF-style: chr9-16437321-G-A.
Other names: c.745C>T, p.Arg249Cys (NM_001317939.2); c.586C>T, p.Arg196Cys (NM_001317940.2); short protein forms R196C, R249C, R291C.
Identifiers: ClinVar variation 3620001 (VCV003620001.2).
Genomic context (GRCh38, chr9:16,437,323, plus strand): 5'-GATGAATGCTGGAAGGATTGCTGTTCTCTAAGTGAGCAAGGAGGCTGGGACTCCTGGTGC[G>A]ATTATTGCTCTCAATGAAAGTCCTTATATCTGAGTCTGTCTTTGAAGATGGTACAGCCAC-3'
Protein context (NP_060107.3, residues 281-301): DIRTFIESNN[Arg291Cys]TRSPSLLAHL